The following is an entry in ClinVar:

NM_017849.4(TMEM127):c.518T>G (p.Phe173Cys)

Gene: TMEM127 (transmembrane protein 127; minus strand). Cytogenetic location: 2q11.2.
Variant type: single nucleotide variant.
Coding change: c.518T>G on transcript NM_017849.4 (MANE Select); coding-DNA position 518, T replaced by G.
Protein change: p.Phe173Cys; replaces phenylalanine 173 with cysteine.
Molecular consequence: missense variant.
Genome position (GRCh38, 1-based): chr2:96,254,007, A>C on the plus strand (T>G on the coding strand, the complement: TMEM127 is on the minus strand). VCF-style: chr2-96254007-A-C. GRCh37 (hg19) VCF-style: chr2-96919745-A-C.
Other names: c.518T>G, p.Phe173Cys (NM_001193304.3); short protein forms F173C.
Identifiers: ClinVar variation 935374 (VCV000935374.3), dbSNP rs1684149438, ClinGen allele CA347652574.
Genomic context (GRCh38, chr2:96,254,007, plus strand): 5'-GCTGCCGTGGCCAGGATTGAGGCTCCACCAGCTCCTGCCACCAGGTAGAAGCTAACGGCG[A>C]AGGTGACATAGACCTGGGATCCATGGTACTTCTTATGCTGCTGCTGCTGGGCCAAGATGA-3'
Protein context (NP_060319.1, residues 163-183): KYHGSQVYVT[Phe173Cys]AVSFYLVAGA

ClinVar aggregate classification (germline): Uncertain significance. Review status: criteria provided, multiple submitters, no conflicts (2 of 4 stars). 2 submissions from 2 submitters: Uncertain significance (2). Last evaluated 2022-02-26.

Conditions:
Hereditary cancer-predisposing syndrome. Also called: Hereditary neoplastic syndrome; Hereditary Cancer Syndrome; Tumor predisposition; Neoplastic Syndromes, Hereditary. Identifiers: Orphanet 140162, MedGen C0027672, MeSH D009386, MONDO:0015356.
Hereditary pheochromocytoma and paraganglioma. Also called: Hereditary pheochromocytoma-paraganglioma; Hereditary Paraganglioma-Pheochromocytoma Syndromes; Hereditary paragangliomas and pheochromocytomas. Identifiers: Orphanet 29072, MedGen C4274332, MONDO:0017366.

Submissions (2):

Ambry Genetics
Classification: Uncertain significance for Hereditary cancer-predisposing syndrome. Last evaluated: 2022-02-26. Review status: criteria provided, single submitter. Criteria: Ambry Variant Classification Scheme 2023. Collection method: clinical testing. Allele origin: germline.
Comment: The p.F173C variant (also known as c.518T>G), located in coding exon 3 of the TMEM127 gene, results from a T to G substitution at nucleotide position 518. The phenylalanine at codon 173 is replaced by cysteine, an amino acid with highly dissimilar properties. This amino acid position is conserved. In addition, this alteration is predicted to be deleterious by in silico analysis. Since supporting evidence is limited at this time, the clinical significance of this alteration remains unclear.

Labcorp Genetics (formerly Invitae), Labcorp
Classification: Uncertain significance for Hereditary Paraganglioma-Pheochromocytoma Syndromes. Last evaluated: 2019-08-22. Review status: criteria provided, single submitter. Criteria: Invitae Variant Classification Sherloc (09022015). Collection method: clinical testing. Allele origin: germline.
Comment: This sequence change replaces phenylalanine with cysteine at codon 173 of the TMEM127 protein (p.Phe173Cys). The phenylalanine residue is highly conserved and there is a large physicochemical difference between phenylalanine and cysteine. This variant is not present in population databases (ExAC no frequency). This variant has not been reported in the literature in individuals with TMEM127-related conditions. Algorithms developed to predict the effect of missense changes on protein structure and function (SIFT, PolyPhen-2, Align-GVGD) all suggest that this variant is likely to be disruptive, but these predictions have not been confirmed by published functional studies and their clinical significance is uncertain. In summary, the available evidence is currently insufficient to determine the role of this variant in disease. Therefore, it has been classified as a Variant of Uncertain Significance.